The following is an entry in ClinVar:

ClinVar aggregate classification (germline): Uncertain significance. Review status: criteria provided, multiple submitters, no conflicts (2 of 4 stars). 2 submissions from 2 submitters: Uncertain significance (2). Last evaluated 2022-10-25.

Conditions:
Inborn genetic diseases. Identifiers: MedGen C0950123, MeSH D030342.
Cowden syndrome 6 (CWS6). Identifiers: Orphanet 201, MedGen C3554519, MONDO:0014048, OMIM 615109.

Allele frequency attached by ClinVar (database versions not stated): gnomAD exomes below 0.00001; TOPMed 0.00001.

Submissions (2):

Labcorp Genetics (formerly Invitae), Labcorp
Classification: Uncertain significance for Cowden syndrome 6. Last evaluated: 2022-10-25. Review status: criteria provided, single submitter. Criteria: Invitae Variant Classification Sherloc (09022015). Collection method: clinical testing. Allele origin: germline.
Comment: In summary, the available evidence is currently insufficient to determine the role of this variant in disease. Therefore, it has been classified as a Variant of Uncertain Significance. Algorithms developed to predict the effect of sequence changes on RNA splicing suggest that this variant may create or strengthen a splice site. Algorithms developed to predict the effect of missense changes on protein structure and function output the following: SIFT: "Tolerated"; PolyPhen-2: "Benign"; Align-GVGD: "Class C0". The serine amino acid residue is found in multiple mammalian species, which suggests that this missense change does not adversely affect protein function. This variant has not been reported in the literature in individuals affected with AKT1-related conditions. This variant is not present in population databases (gnomAD no frequency). This sequence change replaces asparagine, which is neutral and polar, with serine, which is neutral and polar, at codon 351 of the AKT1 protein (p.Asn351Ser).

Ambry Genetics
Classification: Uncertain significance for Inborn genetic diseases. Last evaluated: 2021-06-23. Review status: criteria provided, single submitter. Criteria: Ambry Variant Classification Scheme 2023. Collection method: clinical testing. Allele origin: germline.
Comment: The p.N351S variant (also known as c.1052A>G), located in coding exon 10 of the AKT1 gene, results from an A to G substitution at nucleotide position 1052. The asparagine at codon 351 is replaced by serine, an amino acid with highly similar properties. This amino acid position is conserved. In addition, this alteration is predicted to be tolerated by in silico analysis. Since supporting evidence is limited at this time, the clinical significance of this alteration remains unclear.

NM_001382430.1(AKT1):c.1052A>G (p.Asn351Ser)

Gene: AKT1 (AKT serine/threonine kinase 1; minus strand). Cytogenetic location: 14q32.33.
Variant type: single nucleotide variant.
Coding change: c.1052A>G on transcript NM_001382430.1 (MANE Select); coding-DNA position 1052, A replaced by G.
Protein change: p.Asn351Ser; replaces asparagine 351 with serine.
Molecular consequence: missense variant.
Genome position (GRCh38, 1-based): chr14:104,772,998, T>C on the plus strand (A>G on the coding strand, the complement: AKT1 is on the minus strand). VCF-style: chr14-104772998-T-C. GRCh37 (hg19) VCF-style: chr14-105239335-T-C.
Other names: c.1052A>G, p.Asn351Ser (NM_001014431.2, NM_001014432.2, NM_001382431.1 and 3 more transcripts); short protein forms N351S.
Identifiers: ClinVar variation 1777519 (VCV001777519.7), dbSNP rs1170677405, ClinGen allele CA391217044.